The following is an entry in ClinVar:

ClinVar aggregate classification (germline): Uncertain significance (1 of 4 stars; one submission).

gnomAD v4.1: 1 of 1,614,176 alleles (0.000062%); highest among the groups gnomAD compares: Non-Finnish European, 0.000085%; no homozygotes.

Submission:

GeneDx
Classification: Uncertain significance. Last evaluated: 2022-11-14. Review status: criteria provided, single submitter. Criteria: GeneDx Variant Classification Process June 2021. Collection method: clinical testing. Allele origin: germline.
Comment: Not observed at significant frequency in large population cohorts (gnomAD); In silico analysis supports that this missense variant has a deleterious effect on protein structure/function; Has not been previously published as pathogenic or benign to our knowledge

NM_001394062.1(MACF1):c.14858A>C (p.Glu4953Ala)

Genes: MACF1 (microtubule actin crosslinking factor 1; plus strand), LOC114803468 (MACF1 eExon liver enhancer; plus strand). Cytogenetic location: 1p34.3.
Variant type: single nucleotide variant.
Coding change: c.14858A>C on transcript NM_001394062.1 (MANE Select); coding-DNA position 14858, A replaced by C.
Protein change: p.Glu4953Ala; replaces glutamic acid 4953 with alanine.
Molecular consequence: missense variant.
Genome position (GRCh38, 1-based): chr1:39,387,700, A>C. VCF-style: chr1-39387700-A-C. GRCh37 (hg19) VCF-style: chr1-39853372-A-C.
Other names: c.8672A>C, p.Glu2891Ala (NM_012090.5); short protein forms E2891A, E4953A.
Identifiers: ClinVar variation 1699823 (VCV001699823.3), dbSNP rs2148568166, ClinGen allele CA339741922.